The following is an entry in ClinVar:

NM_007129.5(ZIC2):c.553G>A (p.Gly185Ser)

Gene: ZIC2 (Zic family zinc finger 2; plus strand). Cytogenetic location: 13q32.3.
Variant type: single nucleotide variant.
Coding change: c.553G>A on transcript NM_007129.5 (MANE Select); coding-DNA position 553, G replaced by A.
Protein change: p.Gly185Ser; replaces glycine 185 with serine.
Molecular consequence: missense variant.
Genome position (GRCh38, 1-based): chr13:99,982,617, G>A. VCF-style: chr13-99982617-G-A. GRCh37 (hg19) VCF-style: chr13-100634871-G-A.
Other names: c.553G>A (NM_007129.3); short protein forms G185S.
Identifiers: ClinVar variation 1368004 (VCV001368004.9), dbSNP rs543003846, ClinGen allele CA7032821.

ClinVar aggregate classification (germline): Conflicting classifications of pathogenicity. Review status: criteria provided, conflicting classifications (1 of 4 stars). 2 submissions from 2 submitters: Uncertain significance (1); Likely benign (1). Last evaluated 2026-07-23.

Conditions:
Holoprosencephaly 5 (HPE5). Identifiers: Orphanet 2162, MedGen C1864827, MONDO:0012322, OMIM 609637.
ZIC2-related disorder. Also called: ZIC2-related condition.

Allele frequency attached by ClinVar (database versions not stated): gnomAD exomes 0.00002 and 0.00003; ExAC 0.00007; 1000 Genomes Project 30x 0.00016; 1000 Genomes Project 0.00020.
gnomAD v4.1: 32 of 1,590,646 alleles (0.002%); highest among the groups gnomAD compares: South Asian, 0.031%; 1 homozygote.

Submissions (2):

PreventionGenetics, part of Exact Sciences
Classification: Likely benign for ZIC2-related condition. Last evaluated: 2026-07-23. Review status: criteria provided, single submitter. Criteria: ACMG Guidelines, 2015. Collection method: clinical testing. Allele origin: germline.
Comment: This variant is classified as likely benign based on ACMG/AMP sequence variant interpretation guidelines (Richards et al. 2015 PMID: 25741868, with internal and published modifications).

Labcorp Genetics (formerly Invitae), Labcorp
Classification: Uncertain significance for Holoprosencephaly 5. Last evaluated: 2025-08-20. Review status: criteria provided, single submitter. Criteria: Invitae Variant Classification Sherloc (09022015). Collection method: clinical testing. Allele origin: germline.
Comment: This sequence change replaces glycine, which is neutral and non-polar, with serine, which is neutral and polar, at codon 185 of the ZIC2 protein (p.Gly185Ser). This variant is present in population databases (rs543003846, gnomAD 0.02%). This variant has not been reported in the literature in individuals affected with ZIC2-related conditions. ClinVar contains an entry for this variant (Variation ID: 1368004). Invitae Evidence Modeling of protein sequence and biophysical properties (such as structural, functional, and spatial information, amino acid conservation, physicochemical variation, residue mobility, and thermodynamic stability) indicates that this missense variant is not expected to disrupt ZIC2 protein function with a negative predictive value of 80%. In summary, the available evidence is currently insufficient to determine the role of this variant in disease. Therefore, it has been classified as a Variant of Uncertain Significance.